The following is an entry in ClinVar:

NM_001369.3(DNAH5):c.1089+1G>A

Gene: DNAH5 (dynein axonemal heavy chain 5; minus strand). Cytogenetic location: 5p15.2.
Variant type: single nucleotide variant.
Coding change: c.1089+1G>A on transcript NM_001369.3 (MANE Select); the canonical splice donor site of the intron after coding-DNA position 1089, G replaced by A.
Molecular consequence: splice donor variant.
Genome position (GRCh38, 1-based): chr5:13,917,142, C>T on the plus strand (G>A on the coding strand, the complement: DNAH5 is on the minus strand). VCF-style: chr5-13917142-C-T. GRCh37 (hg19) VCF-style: chr5-13917251-C-T.
Identifiers: ClinVar variation 572984 (VCV000572984.18), dbSNP rs574586008, ClinGen allele CA3204974.

ClinVar aggregate classification (germline): Pathogenic. Review status: criteria provided, multiple submitters, no conflicts (2 of 4 stars). 4 submissions from 4 submitters: Pathogenic (2). 2 of the submissions do not count toward it. Last evaluated 2025-03-20.

Conditions:
Primary ciliary dyskinesia. Also called: Ciliary dyskinesia. Identifiers: Orphanet 244, MedGen C0008780, MONDO:0016575, HP:0012265.

Allele frequency attached by ClinVar (database versions not stated): ExAC 0.00001; gnomAD exomes 0.00001; TOPMed 0.00002; gnomAD 0.00005 and 0.00006.
gnomAD v4.1: 26 of 1,608,268 alleles (0.0016%); highest among the groups gnomAD compares: African/African-American, 0.0053%; no homozygotes.

Submissions (4):

Natera, Inc.
Classification: Pathogenic for Primary ciliary dyskinesia. Last evaluated: 2025-03-20. Review status: criteria provided, single submitter. Criteria: Natera Variant Classification Schema (03/2026). Collection method: clinical testing. Allele origin: germline.
Comment: The c.1089+1G>A variant in DNAH5 is a canonical splice donor site variant predicted to affect pre-mRNA splicing, which may result in an abnormal transcript and altered protein product. This variant may result in a truncated or dysfunctional protein product. This variant is rare in the general population with a frequency below the threshold expected for the associated phenotype(s). This variant has been observed in one or more individuals affected with the associated recessive disease, as either homozygous or compound heterozygous with a second variant (PMID: 36647814, 29363216). Additionally, this variant has been observed to segregate in affected family members (PMID: 29363216). Functional studies show that this variant may disrupt protein function (PMID: 19357118). Given the available evidence, this variant is classified as Pathogenic.

Labcorp Genetics (formerly Invitae), Labcorp
Classification: Pathogenic for Primary ciliary dyskinesia. Last evaluated: 2023-10-08. Review status: criteria provided, single submitter. Criteria: Invitae Variant Classification Sherloc (09022015). Collection method: clinical testing. Allele origin: germline.
Comment: This sequence change affects a donor splice site in intron 8 of the DNAH5 gene. It is expected to disrupt RNA splicing. Variants that disrupt the donor or acceptor splice site typically lead to a loss of protein function (PMID: 16199547), and loss-of-function variants in DNAH5 are known to be pathogenic (PMID: 11788826, 16627867). This variant is present in population databases (rs574586008, gnomAD 0.004%). Disruption of this splice site has been observed in individual(s) with primary ciliary dyskinesia (PMID: 19357118). ClinVar contains an entry for this variant (Variation ID: 572984). Studies have shown that disruption of this splice site is associated with altered splicing resulting in two abnormal transcripts (PMID: 19357118). For these reasons, this variant has been classified as Pathogenic.

Genome Diagnostics Laboratory, Amsterdam University Medical Center
Classification: Pathogenic. Review status: no assertion criteria provided. Collection method: clinical testing. Allele origin: germline. Affected: yes. Study: VKGL Data-share Consensus. Not counted in ClinVar's aggregate classification.

Joint Genome Diagnostic Labs from Nijmegen and Maastricht, Radboudumc and MUMC+
Classification: Pathogenic. Review status: no assertion criteria provided. Collection method: clinical testing. Allele origin: germline. Affected: yes. Study: VKGL Data-share Consensus. Not counted in ClinVar's aggregate classification.

Literature cited by the submitters: PubMed 36647814 (cited by Natera, Inc.); PubMed 29363216 (cited by Natera, Inc.); PubMed 19357118 (cited by Natera, Inc. and Labcorp Genetics (formerly Invitae), Labcorp); PubMed 16199547 (cited by Labcorp Genetics (formerly Invitae), Labcorp); PubMed 11788826 (cited by Labcorp Genetics (formerly Invitae), Labcorp); PubMed 16627867 (cited by Labcorp Genetics (formerly Invitae), Labcorp).